The following is an entry in ClinVar:

NM_152564.5(VPS13B):c.5057C>T (p.Pro1686Leu)

Gene: VPS13B (vacuolar protein sorting 13 homolog B; plus strand). Cytogenetic location: 8q22.2.
Variant type: single nucleotide variant.
Coding change: c.5057C>T on transcript NM_152564.5 (MANE Select); coding-DNA position 5057, C replaced by T.
Protein change: p.Pro1686Leu; replaces proline 1686 with leucine.
Molecular consequence: missense variant.
Genome position (GRCh38, 1-based): chr8:99,575,765, C>T. VCF-style: chr8-99575765-C-T. GRCh37 (hg19) VCF-style: chr8-100587993-C-T.
Other names: c.5132C>T, p.Pro1711Leu (NM_017890.5); short protein forms P1686L, P1711L.
Identifiers: ClinVar variation 4807874 (VCV004807874.1).

ClinVar aggregate classification (germline): Uncertain significance (1 of 4 stars; one submission).

Conditions:
Cohen syndrome (COH1). Also called: Cutis verticis gyrata, retinitis pigmentosa, and sensorineural deafness; PEPPER SYNDROME. Identifiers: Orphanet 193, MedGen C0265223, MONDO:0008999, OMIM 216550.

Submission:

Labcorp Genetics (formerly Invitae), Labcorp
Classification: Uncertain significance for Cohen syndrome. Last evaluated: 2025-03-25. Review status: criteria provided, single submitter. Criteria: Invitae Variant Classification Sherloc (09022015). Collection method: clinical testing. Allele origin: germline.
Comment: This sequence change replaces proline, which is neutral and non-polar, with leucine, which is neutral and non-polar, at codon 1711 of the VPS13B protein (p.Pro1711Leu). This variant is not present in population databases (gnomAD no frequency). This variant has not been reported in the literature in individuals affected with VPS13B-related conditions. Invitae Evidence Modeling of protein sequence and biophysical properties (such as structural, functional, and spatial information, amino acid conservation, physicochemical variation, residue mobility, and thermodynamic stability) has been performed for this missense variant. However, the output from this modeling did not meet the statistical confidence thresholds required to predict the impact of this variant on VPS13B protein function. In summary, the available evidence is currently insufficient to determine the role of this variant in disease. Therefore, it has been classified as a Variant of Uncertain Significance.